The following is an entry in ClinVar:

ClinVar aggregate classification (germline): Uncertain significance (1 of 4 stars; one submission).

Conditions:
Baller-Gerold syndrome (BGS). Also called: CRANIOSYNOSTOSIS WITH RADIAL DEFECTS. Identifiers: Orphanet 1225, MedGen C0265308, MONDO:0009039, OMIM 218600.

Submission:

Labcorp Genetics (formerly Invitae), Labcorp
Classification: Uncertain significance for Baller-Gerold syndrome. Last evaluated: 2023-05-29. Review status: criteria provided, single submitter. Criteria: Invitae Variant Classification Sherloc (09022015). Collection method: clinical testing. Allele origin: germline.
Comment: This variant, c.335_337dup, results in the insertion of 1 amino acid(s) of the RECQL4 protein (p.Asn112_Leu113insHis), but otherwise preserves the integrity of the reading frame. This variant is not present in population databases (gnomAD no frequency). In summary, the available evidence is currently insufficient to determine the role of this variant in disease. Therefore, it has been classified as a Variant of Uncertain Significance. This variant has not been reported in the literature in individuals affected with RECQL4-related conditions.

NM_004260.4(RECQL4):c.335_337dup (p.Asn112_Leu113insHis)

Gene: RECQL4 (RecQ like helicase 4; minus strand). Cytogenetic location: 8q24.3.
Variant type: Duplication.
Coding change: c.335_337dup on transcript NM_004260.4 (MANE Select); coding-DNA positions 335 to 337, 3 bases duplicated (ATC; older notation c.335_337dupATC).
Protein change: p.Asn112_Leu113insHis.
Molecular consequence: inframe insertion. On other transcripts: 5 prime UTR variant (17), non-coding transcript variant (3).
Genome position (GRCh38, 1-based): chr8:144,517,067-144,517,069, GAT duplicated on the plus strand (ATC on the coding strand, the reverse complement: RECQL4 is on the minus strand). VCF-style (leftmost placement, unchanged base first): chr8-144517066-A-AGAT. GRCh37 (hg19) VCF-style: chr8-145742450-A-AGAT.
Other names: c.335_337dup, p.Asn112_Leu113insHis (NM_001413017.1, NM_001413018.1, NM_001413019.1 and 5 more transcripts); c.-386_-384dup (NM_001413021.1); c.-737_-735dup (NM_001413022.1, NM_001413023.1, NM_001413037.1 and 3 more transcripts); c.-634_-632dup (NM_001413024.1, NM_001413035.1); c.206_208dup, p.Asn69_Leu70insHis (NM_001413025.1); c.-799_-797dup (NM_001413027.1, NM_001413030.1, NM_001413031.1 and 1 more transcripts); c.-462_-460dup (NM_001413028.1); c.-696_-694dup (NM_001413032.1); and 2 more.
Identifiers: ClinVar variation 2746233 (VCV002746233.3), dbSNP rs2538110204, ClinGen allele CA2697550248.